The following is an entry in ClinVar:

ClinVar aggregate classification (germline): Benign/Likely benign. Review status: criteria provided, multiple submitters, no conflicts (2 of 4 stars). 3 submissions from 3 submitters: Benign (1); Likely benign (2). Last evaluated 2025-11-12.

Conditions:
Hereditary spastic paraplegia 45. Also called: Spastic paraplegia 45, autosomal recessive; SPASTIC PARAPLEGIA 45. Identifiers: Orphanet 320396, MedGen C3888209, MONDO:0013165, OMIM 613162.

Allele frequency attached by ClinVar (database versions not stated): TOPMed 0.00021; gnomAD 0.00022; 1000 Genomes Project 30x 0.00062; 1000 Genomes Project 0.00080.
gnomAD v4.1: 873 of 1,590,966 alleles (0.055%); highest among the groups gnomAD compares: South Asian, 0.59%; 8 homozygotes.

Submissions (3):

Labcorp Genetics (formerly Invitae), Labcorp
Classification: Benign for Hereditary spastic paraplegia 45. Last evaluated: 2025-11-12. Review status: criteria provided, single submitter. Criteria: Invitae Variant Classification Sherloc (09022015). Collection method: clinical testing. Allele origin: germline.

Blueprint Genetics
Classification: Likely benign. Last evaluated: 2024-11-13. Review status: criteria provided, single submitter. Criteria: ACMG Guidelines, 2015. Collection method: clinical testing. Allele origin: germline.

GeneDx
Classification: Likely benign. Last evaluated: 2017-02-09. Review status: criteria provided, single submitter. Criteria: GeneDx Variant Classification (06012015). Collection method: clinical testing. Allele origin: germline. Affected: yes.
Comment: This variant is considered likely benign or benign based on one or more of the following criteria: it is a conservative change, it occurs at a poorly conserved position in the protein, it is predicted to be benign by multiple in silico algorithms, and/or has population frequency not consistent with disease.

NM_001351169.2(NT5C2):c.634-14T>G

Gene: NT5C2 (5'-nucleotidase, cytosolic II; minus strand). Cytogenetic location: 10q24.32.
Variant type: single nucleotide variant.
Coding change: c.634-14T>G on transcript NM_001351169.2 (MANE Select); 14 bases into the intron before coding-DNA position 634, T replaced by G.
Molecular consequence: intron variant.
Genome position (GRCh38, 1-based): chr10:103,098,998, A>C on the plus strand (T>G on the coding strand, the complement: NT5C2 is on the minus strand). VCF-style: chr10-103098998-A-C. GRCh37 (hg19) VCF-style: chr10-104858755-A-C.
Other names: c.547-14T>G (NM_001351174.1); c.61-14T>G (NM_001351191.1, NM_001351192.1, NM_001351193.1 and 16 more transcripts); c.-122-14T>G (NM_001351194.2, NM_001351195.2, NM_001351196.2); c.634-14T>G (NM_001134373.3, NM_012229.5); c.658-14T>G (NM_001351170.2, NM_001351171.2, NM_001351172.2 and 1 more transcripts); c.541-14T>G (NM_001351175.2).
Identifiers: ClinVar variation 507244 (VCV000507244.10), dbSNP rs200522283, ClinGen allele CA5671021.